The following is an entry in ClinVar:

NM_003823.4(TNFRSF6B):c.524C>T (p.Thr175Met)

Genes: TNFRSF6B (TNF receptor superfamily member 6b; plus strand), RTEL1-TNFRSF6B (RTEL1-TNFRSF6B readthrough (NMD candidate); plus strand). Cytogenetic location: 20q13.33.
Variant type: single nucleotide variant.
Coding change: c.524C>T on transcript NM_003823.4 (MANE Select); coding-DNA position 524, C replaced by T.
Protein change: p.Thr175Met; replaces threonine 175 with methionine.
Molecular consequence: missense variant. On other transcripts: non-coding transcript variant (1).
Genome position (GRCh38, 1-based): chr20:63,697,427, C>T. VCF-style: chr20-63697427-C-T. GRCh37 (hg19) VCF-style: chr20-62328780-C-T.
Other names: short protein forms T175M.
Identifiers: ClinVar variation 3706464 (VCV003706464.2).

ClinVar aggregate classification (germline): Uncertain significance (1 of 4 stars; one submission).

Submission:

Labcorp Genetics (formerly Invitae), Labcorp
Classification: Uncertain significance. Last evaluated: 2024-12-03. Review status: criteria provided, single submitter. Criteria: Invitae Variant Classification Sherloc (09022015). Collection method: clinical testing. Allele origin: germline.
Comment: This sequence change replaces threonine, which is neutral and polar, with methionine, which is neutral and non-polar, at codon 175 of the TNFRSF6B protein (p.Thr175Met). The frequency data for this variant in the population databases is considered unreliable, as metrics indicate poor data quality at this position in the gnomAD database. This variant has not been reported in the literature in individuals affected with TNFRSF6B-related conditions. An algorithm developed to predict the effect of missense changes on protein structure and function (PolyPhen-2) suggests that this variant is likely to be disruptive. In summary, the available evidence is currently insufficient to determine the role of this variant in disease. Therefore, it has been classified as a Variant of Uncertain Significance.